The following is an entry in ClinVar:

ClinVar aggregate classification (germline): Uncertain significance (1 of 4 stars; one submission).

Allele frequency attached by ClinVar (database versions not stated): gnomAD exomes 0.00001.
gnomAD v4.1: 3 of 1,613,886 alleles (0.00019%); highest among the groups gnomAD compares: Admixed American, 0.0033%; no homozygotes.

Submission:

GeneDx
Classification: Uncertain significance. Last evaluated: 2025-06-05. Review status: criteria provided, single submitter. Criteria: GeneDx Variant Classification Process June 2021. Collection method: clinical testing. Allele origin: germline.
Comment: In silico analysis supports that this missense variant has a deleterious effect on protein structure/function; Has not been previously published as pathogenic or benign to our knowledge

NM_001205293.3(CACNA1E):c.4066G>A (p.Asp1356Asn)

Gene: CACNA1E (calcium voltage-gated channel subunit alpha1 E; plus strand). Cytogenetic location: 1q25.3.
Variant type: single nucleotide variant.
Coding change: c.4066G>A on transcript NM_001205293.3 (MANE Select); coding-DNA position 4066, G replaced by A.
Protein change: p.Asp1356Asn; replaces aspartic acid 1356 with asparagine.
Molecular consequence: missense variant.
Genome position (GRCh38, 1-based): chr1:181,756,032, G>A. VCF-style: chr1-181756032-G-A. GRCh37 (hg19) VCF-style: chr1-181725168-G-A.
Other names: c.4066G>A, p.Asp1356Asn (NM_000721.4); c.4009G>A, p.Asp1337Asn (NM_001205294.2); short protein forms D1337N, D1356N.
Identifiers: ClinVar variation 3252163 (VCV003252163.2), dbSNP rs1305669747.